The following is an entry in ClinVar:

NM_006206.6(PDGFRA):c.1697_1711del (p.Ser566_Glu571delinsLys)

Gene: PDGFRA (platelet derived growth factor receptor alpha; plus strand). Cytogenetic location: 4q12.
Variant type: Deletion.
Coding change: c.1697_1711del on transcript NM_006206.6 (MANE Select); coding-DNA positions 1697 to 1711, 15 bases deleted (GCCCAGATGGACATG).
Protein change: p.Ser566_Glu571delinsLys.
Molecular consequence: inframe indel.
Genome position (GRCh38, 1-based): chr4:54,274,884-54,274,898, GCCCAGATGGACATG deleted. VCF-style (leftmost placement, unchanged base first): chr4-54274883-AGCCCAGATGGACATG-A. GRCh37 (hg19) VCF-style: chr4-55141050-AGCCCAGATGGACATG-A.
Other names: c.1697_1711del, p.Ser566_Glu571delinsLys (NM_001347827.2, NM_001347829.2); c.1772_1786del, p.Ser591_Glu596delinsLys (NM_001347828.2); c.1736_1750del, p.Ser579_Glu584delinsLys (NM_001347830.2).
Identifiers: ClinVar variation 4530357 (VCV004530357.1).

ClinVar aggregate classification (somatic clinical impact): Tier I - Strong (1 of 4 stars; one submission).

Conditions:
Diffuse midline glioma, H3 K27M-mutant. Identifiers: MedGen C4289688, MONDO:0957196.

Submission:

Institute for Genomic Medicine (IGM) Clinical Laboratory, Nationwide Children's Hospital
Classification: Tier I - Strong for Diffuse midline glioma, H3 K27M-mutant. Assertion type: diagnostic. Clinical significance: supports diagnosis. Last evaluated: 2025-05-20. Review status: criteria provided, single submitter. Criteria: AMP/ASCO/CAP Guidelines, 2017. Collection method: clinical testing. Allele origin: somatic. Affected: yes.
Comment: Variant has Tier I (strong) clinical significance as a diagnostic inclusion criterion in diffuse midline glioma, H3 K27M-mutant, based on the following evidence: 1) Appears in one or more well-established professional guidelines (e.g., World Health Organization [WHO]; National Comprehensive Cancer Network [NCCN]) as providing diagnostic, prognostic, or therapeutic information. 2) Diagnostic for a specific tumor type/classification based on well-powered studies with expert-level consensus (Evidence Level B; PMIDs: 24705251, 25230881, 27582545, 28966033, 29763623).

Literature cited by the submitters: PubMed 24705251; PubMed 25230881; PubMed 27582545; PubMed 28966033; PubMed 29763623.